The following is an entry in ClinVar:

NM_000229.2(LCAT):c.26A>C (p.Gln9Pro)

Genes: LCAT (lecithin-cholesterol acyltransferase; minus strand), SLC12A4 (solute carrier family 12 member 4; minus strand). Cytogenetic location: 16q22.1.
Variant type: single nucleotide variant.
Coding change: c.26A>C on transcript NM_000229.2 (MANE Select); coding-DNA position 26, A replaced by C.
Protein change: p.Gln9Pro; replaces glutamine 9 with proline.
Molecular consequence: missense variant. On other transcripts: 3 prime UTR variant (5).
Genome position (GRCh38, 1-based): chr16:67,944,076, T>G on the plus strand (A>C on the coding strand, the complement: LCAT is on the minus strand). VCF-style: chr16-67944076-T-G. GRCh37 (hg19) VCF-style: chr16-67977979-T-G.
Other names: c.*764A>C (NM_001145961.2, NM_001145962.1, NM_001145963.2 and 2 more transcripts); short protein forms Q9P.
Identifiers: ClinVar variation 3866613 (VCV003866613.1).

ClinVar aggregate classification (germline): Uncertain significance (1 of 4 stars; one submission).

Conditions:
Cardiovascular phenotype. Identifiers: MedGen CN230736.

gnomAD v4.1: 3 of 1,547,920 alleles (0.00019%); highest among the groups gnomAD compares: Non-Finnish European, 0.00026%; no homozygotes.

Submission:

Ambry Genetics
Classification: Uncertain significance for Cardiovascular phenotype. Last evaluated: 2024-12-29. Review status: criteria provided, single submitter. Criteria: Ambry Variant Classification Scheme 2023. Collection method: clinical testing. Allele origin: germline.
Comment: The p.Q9P variant (also known as c.26A>C), located in coding exon 1 of the LCAT gene, results from an A to C substitution at nucleotide position 26. The glutamine at codon 9 is replaced by proline, an amino acid with similar properties. This amino acid position is conserved. In addition, the in silico prediction for this alteration is inconclusive. Based on the available evidence, the clinical significance of this variant remains unclear.